The following is an entry in ClinVar:

NM_004304.5(ALK):c.3050A>G (p.Asp1017Gly)

Gene: ALK (ALK receptor tyrosine kinase; minus strand). Cytogenetic location: 2p23.2.
Variant type: single nucleotide variant.
Coding change: c.3050A>G on transcript NM_004304.5 (MANE Select); coding-DNA position 3050, A replaced by G.
Protein change: p.Asp1017Gly; replaces aspartic acid 1017 with glycine.
Molecular consequence: missense variant.
Genome position (GRCh38, 1-based): chr2:29,226,939, T>C on the plus strand (A>G on the coding strand, the complement: ALK is on the minus strand). VCF-style: chr2-29226939-T-C. GRCh37 (hg19) VCF-style: chr2-29449805-T-C.
Other names: short protein forms D1017G.
Identifiers: ClinVar variation 3658972 (VCV003658972.2).

ClinVar aggregate classification (germline): Uncertain significance (1 of 4 stars; one submission).

Conditions:
Neuroblastoma, susceptibility to, 3. Also called: ALK-Related Neuroblastic Tumor Susceptibility. Identifiers: Orphanet 635, MedGen C2751681, MONDO:0013083, OMIM 613014.

Submission:

Labcorp Genetics (formerly Invitae), Labcorp
Classification: Uncertain significance for Neuroblastoma, susceptibility to, 3. Last evaluated: 2024-07-08. Review status: criteria provided, single submitter. Criteria: Invitae Variant Classification Sherloc (09022015). Collection method: clinical testing. Allele origin: germline.
Comment: This sequence change replaces aspartic acid, which is acidic and polar, with glycine, which is neutral and non-polar, at codon 1017 of the ALK protein (p.Asp1017Gly). This variant is not present in population databases (gnomAD no frequency). This variant has not been reported in the literature in individuals affected with ALK-related conditions. An algorithm developed to predict the effect of missense changes on protein structure and function (PolyPhen-2) suggests that this variant is likely to be disruptive. In summary, the available evidence is currently insufficient to determine the role of this variant in disease. Therefore, it has been classified as a Variant of Uncertain Significance.